The following is an entry in ClinVar:

NM_001267550.2(TTN):c.44816-3del

Gene: TTN (titin; minus strand). Cytogenetic location: 2q31.2.
Variant type: Deletion.
Coding change: c.44816-3del on transcript NM_001267550.2 (MANE Select); 3 bases into the intron before coding-DNA position 44816, one base deleted (C; older notation c.44816-3delC).
Molecular consequence: intron variant.
Genome position (GRCh38, 1-based): chr2:178,622,770, G deleted on the plus strand (C on the coding strand, the reverse complement: TTN is on the minus strand). VCF-style (leftmost placement, unchanged base first): chr2-178622769-TG-T. GRCh37 (hg19) VCF-style: chr2-179487496-TG-T.
Other names: c.17621-3del (NM_003319.4); c.18197-3del (NM_133437.4); c.17996-3del (NM_133432.3); c.37112-3del (NM_133378.4); c.39893-3del (NM_001256850.1); c.17621-3delC (NM_003319.4).
Identifiers: ClinVar variation 1779600 (VCV001779600.2), dbSNP rs2058486664, ClinGen allele CA1039713772.
Genomic context (GRCh38, chr2:178,622,769, plus strand): 5'-CATTTCTTTTTCTCTAACTTGAAGGTCGGTGAGTGGTCTTAAGAATTCCACATGAGGAGC[TG>T]TAAGAGAATGTCATCAGAATTCAAAATGAGGTTTCTGGAAATTTACTCTGACATTACCAT-3'

ClinVar aggregate classification (germline): Uncertain significance (1 of 4 stars; one submission).

Conditions:
Cardiovascular phenotype. Identifiers: MedGen CN230736.

Submission:

Ambry Genetics
Classification: Uncertain significance for Cardiovascular phenotype. Last evaluated: 2019-05-08. Review status: criteria provided, single submitter. Criteria: Ambry Variant Classification Scheme 2023. Collection method: clinical testing. Allele origin: germline.
Comment: The c.17621-3delC intronic variant, located in intron 69 of the TTN gene, results from a deletion of one nucleotide within intron 69 of the TTN gene. This nucleotide position is well conserved in available vertebrate species. Using the BDGP and ESEfinder splice site prediction tools, this alteration is predicted to weaken the efficiency of the native splice acceptor site; however, direct evidence is unavailable. Since supporting evidence is limited at this time, the clinical significance of this alteration remains unclear.

Literature cited by the submitters: PubMed 23975875.